The following is an entry in ClinVar:

NM_014975.3(MAST1):c.2554G>T (p.Asp852Tyr)

Gene: MAST1 (microtubule associated serine/threonine kinase 1; plus strand). Cytogenetic location: 19p13.13.
Variant type: single nucleotide variant.
Coding change: c.2554G>T on transcript NM_014975.3 (MANE Select); coding-DNA position 2554, G replaced by T.
Protein change: p.Asp852Tyr; replaces aspartic acid 852 with tyrosine.
Molecular consequence: missense variant.
Genome position (GRCh38, 1-based): chr19:12,867,965, G>T. VCF-style: chr19-12867965-G-T. GRCh37 (hg19) VCF-style: chr19-12978779-G-T.
Other names: short protein forms D852Y.
Identifiers: ClinVar variation 3543492 (VCV003543492.3).

ClinVar aggregate classification (germline): Uncertain significance. Review status: criteria provided, multiple submitters, no conflicts (2 of 4 stars). 2 submissions from 2 submitters: Uncertain significance (2). Last evaluated 2024-12-03.

Conditions:
Inborn genetic diseases. Identifiers: MedGen C0950123, MeSH D030342.

gnomAD v4.1: 10 of 1,552,526 alleles (0.00064%); highest among the groups gnomAD compares: African/African-American, 0.011%; no homozygotes.

Submissions (2):

Ambry Genetics
Classification: Uncertain significance for Inborn genetic diseases. Last evaluated: 2024-12-03. Review status: criteria provided, single submitter. Criteria: Ambry Variant Classification Scheme 2023. Collection method: clinical testing. Allele origin: germline.

Labcorp Genetics (formerly Invitae), Labcorp
Classification: Uncertain significance. Last evaluated: 2024-03-08. Review status: criteria provided, single submitter. Criteria: Invitae Variant Classification Sherloc (09022015). Collection method: clinical testing. Allele origin: germline.
Comment: This sequence change replaces aspartic acid, which is acidic and polar, with tyrosine, which is neutral and polar, at codon 852 of the MAST1 protein (p.Asp852Tyr). This variant is present in population databases (rs372595798, gnomAD 0.02%). This variant has not been reported in the literature in individuals affected with MAST1-related conditions. An algorithm developed to predict the effect of missense changes on protein structure and function (PolyPhen-2) suggests that this variant is likely to be tolerated. In summary, the available evidence is currently insufficient to determine the role of this variant in disease. Therefore, it has been classified as a Variant of Uncertain Significance.